The following is an entry in ClinVar:

ClinVar aggregate classification (germline): Uncertain significance. Review status: criteria provided, multiple submitters, no conflicts (2 of 4 stars). 4 submissions from 4 submitters: Uncertain significance (4). Last evaluated 2024-09-27.

Conditions:
RYR1-related disorder. Also called: RYR1-related disorders; RYR1-related condition. Identifiers: MedGen CN239331.
Central core myopathy (CMYO1A). Also called: CONGENITAL MYOPATHY 1A, AUTOSOMAL DOMINANT, WITH SUSCEPTIBILITY TO MALIGNANT HYPERTHERMIA; Central core disease; Myopathy, central fibrillar. Identifiers: Orphanet 597, MedGen C5830701, MONDO:0007294, OMIM 117000.
Malignant hyperthermia, susceptibility to, 1 (MHS1). Also called: Anesthesia related hyperthermia; Malignant hyperpyrexia; Fulminating hyperpyrexia; Pharmacogenic myopathy; RYR1-Related Malignant Hyperthermia Susceptibility; Malignant hyperthermia suceptibility 1. Identifiers: Orphanet 423, MedGen C2930980, MONDO:0007783, OMIM 145600.

Allele frequency attached by ClinVar (database versions not stated): gnomAD 0.00001; TOPMed below 0.00001; ExAC 0.00001.

Submissions (4):

All of Us Research Program, National Institutes of Health
Classification: Uncertain significance for Malignant hyperthermia, susceptibility to, 1. Last evaluated: 2024-09-27. Review status: criteria provided, single submitter. Criteria: ACMG Guidelines, 2015. Collection method: clinical testing. Allele origin: germline. Inheritance: Autosomal dominant inheritance. Observed: 7 variant alleles, 7 heterozygotes.
Comment: This missense variant replaces methionine with threonine at codon 2153 of the RYR1 protein. Computational prediction is inconclusive regarding the impact of this variant on protein structure and function (internally defined REVEL score threshold 0.5 < inconclusive < 0.7, PMID: 27666373). To our knowledge, functional studies have not been reported for this variant. This variant has not been reported in individuals affected with RYR1-related disorders in the literature. This variant has been identified in 2/282238 chromosomes in the general population by the Genome Aggregation Database (gnomAD). The available evidence is insufficient to determine the role of this variant in disease conclusively. Therefore, this variant is classified as a Variant of Uncertain Significance.

This study involves interpretation of variants in research participants for the purpose of population health screening. Participant phenotype was not available at the time of variant classification. Additional details can be found in publication PMID: 35346344, PMCID: PMC8962531

Genomic Medicine Center of Excellence, King Faisal Specialist Hospital and Research Centre
Classification: Uncertain significance for Central core myopathy. Last evaluated: 2024-04-04. Review status: criteria provided, single submitter. Criteria: ACMG Guidelines, 2015. Collection method: clinical testing. Allele origin: germline.

Color Diagnostics, LLC DBA Color Health
Classification: Uncertain significance for Malignant hyperthermia, susceptibility to, 1. Last evaluated: 2024-03-06. Review status: criteria provided, single submitter. Criteria: ACMG Guidelines, 2015. Collection method: clinical testing. Allele origin: germline.
Comment: This missense variant replaces methionine with threonine at codon 2153 of the RYR1 protein. Computational prediction is inconclusive regarding the impact of this variant on protein structure and function (internally defined REVEL score threshold 0.5 < inconclusive < 0.7, PMID: 27666373). To our knowledge, functional studies have not been reported for this variant. This variant has not been reported in individuals affected with RYR1-related disorders in the literature. This variant has been identified in 2/282238 chromosomes in the general population by the Genome Aggregation Database (gnomAD). The available evidence is insufficient to determine the role of this variant in disease conclusively. Therefore, this variant is classified as a Variant of Uncertain Significance.

Labcorp Genetics (formerly Invitae), Labcorp
Classification: Uncertain significance for RYR1-related disorder. Last evaluated: 2022-03-08. Review status: criteria provided, single submitter. Criteria: Invitae Variant Classification Sherloc (09022015). Collection method: clinical testing. Allele origin: germline.
Comment: This sequence change replaces methionine, which is neutral and non-polar, with threonine, which is neutral and polar, at codon 2153 of the RYR1 protein (p.Met2153Thr). This variant is present in population databases (rs759940587, gnomAD 0.002%). This variant has not been reported in the literature in individuals affected with RYR1-related conditions. ClinVar contains an entry for this variant (Variation ID: 1052413). Advanced modeling of protein sequence and biophysical properties (such as structural, functional, and spatial information, amino acid conservation, physicochemical variation, residue mobility, and thermodynamic stability) performed at Invitae indicates that this missense variant is not expected to disrupt RYR1 protein function. In summary, the available evidence is currently insufficient to determine the role of this variant in disease. Therefore, it has been classified as a Variant of Uncertain Significance.

NM_000540.3(RYR1):c.6458T>C (p.Met2153Thr)

Gene: RYR1 (ryanodine receptor 1; plus strand). Cytogenetic location: 19q13.2.
Variant type: single nucleotide variant.
Coding change: c.6458T>C on transcript NM_000540.3 (MANE Select); coding-DNA position 6458, T replaced by C.
Protein change: p.Met2153Thr; replaces methionine 2153 with threonine.
Molecular consequence: missense variant.
Genome position (GRCh38, 1-based): chr19:38,494,535, T>C. VCF-style: chr19-38494535-T-C. GRCh37 (hg19) VCF-style: chr19-38985175-T-C.
Other names: c.6458T>C, p.Met2153Thr (NM_001042723.2); short protein forms M2153T.
Identifiers: ClinVar variation 1052413 (VCV001052413.10), dbSNP rs759940587, ClinGen allele CA068266.
Genomic context (GRCh38, chr19:38,494,535, plus strand): 5'-AGCTGCTGCGTGCCCTGCCGCGGGCGTACACCATCTCACCGTCCTCCGTGGAAGACACCA[T>C]GAGCCTGCTCGAGTGCCTCGGCCAGATCCGCTCGCTGCTCATCGTGCAGATGGGCCCCCA-3'
Protein context (NP_000531.2, residues 2143-2163): TISPSSVEDT[Met2153Thr]SLLECLGQIR